The following is an entry in ClinVar:

ClinVar aggregate classification (germline): Likely benign (0 of 4 stars; one submission).

Conditions:
VHL-related disorder. Also called: VHL-related condition.

Submission:

PreventionGenetics, part of Exact Sciences
Classification: Likely benign for VHL-related condition. Last evaluated: 2024-03-20. Review status: no assertion criteria provided. Collection method: clinical testing. Allele origin: germline.
Comment: This variant is classified as likely benign based on ACMG/AMP sequence variant interpretation guidelines (Richards et al. 2015 PMID: 25741868, with internal and published modifications).

NM_000551.3(VHL):c.-78G>C

Gene: VHL (von Hippel-Lindau tumor suppressor; plus strand). Cytogenetic location: 3p25.3.
Variant type: single nucleotide variant.
Coding change: c.-78G>C on transcript NM_000551.3; 78 bases upstream of the start codon, G replaced by C.
Genome position (GRCh38, 1-based): chr3:10,141,770, G>C. VCF-style: chr3-10141770-G-C. GRCh37 (hg19) VCF-style: chr3-10183454-G-C.
Identifiers: ClinVar variation 3349900 (VCV003349900.1).
Genomic context (GRCh38, chr3:10,141,770, plus strand): 5'-CCGCGAGCGCGTTCCATCCTCTACCGAGCGCGCGCGAAGACTACGGAGGTCGACTCGGGA[G>C]CGCGCACGCAGCTCCGCCCCGCGTCCGACCCGCGGATCCCGCGGCGTCCGGCCCGGGTGG-3'